The following is an entry in ClinVar:

ClinVar aggregate classification (germline): Likely benign. Review status: criteria provided, multiple submitters, no conflicts (2 of 4 stars). 4 submissions from 4 submitters: Likely benign (4). Last evaluated 2026-07-13.

Conditions:
Cardiovascular phenotype. Identifiers: MedGen CN230736.
CACNA1C-related disorder. Also called: CACNA1C-related disorders; CACNA1C-related condition. Identifiers: MedGen CN381092, MONDO:0700321.
Long QT syndrome (LQTS). Identifiers: MedGen C0023976, MeSH D008133, MONDO:0002442. Disease mechanism: loss of function. Inheritance: Various modes of inheritance.

Allele frequency attached by ClinVar (database versions not stated): ESP Exome Variant Server 0.00008; gnomAD exomes 0.00002 and 0.00001; gnomAD 0.00001; ExAC 0.00002.
gnomAD v4.1: 33 of 1,613,722 alleles (0.002%); highest among the groups gnomAD compares: Non-Finnish European, 0.0027%; no homozygotes.

Submissions (4):

PreventionGenetics, part of Exact Sciences
Classification: Likely benign for CACNA1C-related condition. Last evaluated: 2026-07-13. Review status: criteria provided, single submitter. Criteria: ACMG Guidelines, 2015. Collection method: clinical testing. Allele origin: germline.
Comment: This variant is classified as likely benign based on ACMG/AMP sequence variant interpretation guidelines (Richards et al. 2015 PMID: 25741868, with internal and published modifications).

Labcorp Genetics (formerly Invitae), Labcorp
Classification: Likely benign for Long QT syndrome. Last evaluated: 2025-11-27. Review status: criteria provided, single submitter. Criteria: Invitae Variant Classification Sherloc (09022015). Collection method: clinical testing. Allele origin: germline.

Women's Health and Genetics/Laboratory Corporation of America, LabCorp
Classification: Likely benign. Last evaluated: 2024-11-10. Review status: criteria provided, single submitter. Criteria: LabCorp Variant Classification Summary - May 2015. Collection method: clinical testing. Allele origin: germline.

Ambry Genetics
Classification: Likely benign for Cardiovascular phenotype. Last evaluated: 2022-06-06. Review status: criteria provided, single submitter. Criteria: Ambry Variant Classification Scheme 2023. Collection method: clinical testing. Allele origin: germline.

NM_000719.7(CACNA1C):c.2619C>T (p.Pro873=)

Gene: CACNA1C (calcium voltage-gated channel subunit alpha1 C; plus strand). Cytogenetic location: 12p13.33.
Variant type: single nucleotide variant.
Coding change: c.2619C>T on transcript NM_000719.7 (MANE Select); coding-DNA position 2619, C replaced by T.
Protein change: p.Pro873=; no amino-acid change (proline 873 retained).
Molecular consequence: synonymous variant.
Genome position (GRCh38, 1-based): chr12:2,593,301, C>T. VCF-style: chr12-2593301-C-T. GRCh37 (hg19) VCF-style: chr12-2702467-C-T.
Other names: c.2619C>T, p.Pro873= (NM_001129827.2, NM_001129829.2, NM_001129830.3 and 18 more transcripts); c.2610C>T, p.Pro870= (NM_001129844.2).
Identifiers: ClinVar variation 416856 (VCV000416856.16), dbSNP rs374481837, ClinGen allele CA6389016.
Genomic context (GRCh38, chr12:2,593,301, plus strand): 5'-GCCTGTCGGCCCTCGCCCACGACCACTCTCTGAGCTTCACCTTAAGGAAAAGGCAGTGCC[C>T]ATGCCAGAAGCCAGCGCGTTTTTCATCTTCAGCTCTAACAACAGGTGTGCAGCAATGGTG-3'
Protein context (NP_000710.5, residues 863-883): SELHLKEKAV[Pro873=]MPEASAFFIF